The following is an entry in ClinVar:

ClinVar aggregate classification (germline): Uncertain significance (1 of 4 stars; one submission).

Allele frequency attached by ClinVar (database versions not stated): gnomAD exomes 0.00001.

Submission:

Labcorp Genetics (formerly Invitae), Labcorp
Classification: Uncertain significance. Last evaluated: 2021-03-07. Review status: criteria provided, single submitter. Criteria: Invitae Variant Classification Sherloc (09022015). Collection method: clinical testing. Allele origin: germline.
Comment: In summary, the available evidence is currently insufficient to determine the role of this variant in disease. Therefore, it has been classified as a Variant of Uncertain Significance. Algorithms developed to predict the effect of missense changes on protein structure and function are either unavailable or do not agree on the potential impact of this missense change (SIFT: "Tolerated"; PolyPhen-2: "Probably Damaging"; Align-GVGD: "Class C0"). This variant has not been reported in the literature in individuals with RNF168-related conditions. This variant is not present in population databases (ExAC no frequency). This sequence change replaces proline with serine at codon 471 of the RNF168 protein (p.Pro471Ser). The proline residue is moderately conserved and there is a moderate physicochemical difference between proline and serine.

NM_152617.4(RNF168):c.1411C>T (p.Pro471Ser)

Gene: RNF168 (ring finger protein 168; minus strand). Cytogenetic location: 3q29.
Variant type: single nucleotide variant.
Coding change: c.1411C>T on transcript NM_152617.4 (MANE Select); coding-DNA position 1411, C replaced by T.
Protein change: p.Pro471Ser; replaces proline 471 with serine.
Molecular consequence: missense variant.
Genome position (GRCh38, 1-based): chr3:196,472,124, G>A on the plus strand (C>T on the coding strand, the complement: RNF168 is on the minus strand). VCF-style: chr3-196472124-G-A. GRCh37 (hg19) VCF-style: chr3-196198995-G-A.
Other names: short protein forms P471S.
Identifiers: ClinVar variation 1419990 (VCV001419990.6), dbSNP rs1051887008, ClinGen allele CA90838752.